The following is an entry in ClinVar:

NM_000137.4(FAH):c.548_553+20del

Gene: FAH (fumarylacetoacetate hydrolase; plus strand). Cytogenetic location: 15q25.1.
Variant type: Deletion.
Coding change: c.548_553+20del on transcript NM_000137.4 (MANE Select); coding-DNA position 548 through 20 bases into the intron after coding-DNA position 553, 26 bases deleted (ATGACTGTGAGTGACCGCAGCGTCCA).
Molecular consequence: splice donor variant.
Genome position (GRCh38, 1-based): chr15:80,168,144-80,168,169, ATGACTGTGAGTGACCGCAGCGTCCA deleted. VCF-style (leftmost placement, unchanged base first): chr15-80168143-GATGACTGTGAGTGACCGCAGCGTCCA-G. GRCh37 (hg19) VCF-style: chr15-80460485-GATGACTGTGAGTGACCGCAGCGTCCA-G.
Other names: c.548_553+20del26 (NM_000137.4, NM_000137.2); c.548_553+20del (NM_001374377.1, NM_001374380.1).
Identifiers: ClinVar variation 646736 (VCV000646736.14), dbSNP rs768180953, ClinGen allele CA7691209.

ClinVar aggregate classification (germline): Pathogenic/Likely pathogenic. Review status: criteria provided, multiple submitters, no conflicts (2 of 4 stars). 6 submissions from 6 submitters: Pathogenic (5); Likely pathogenic (1). Last evaluated 2025-10-16.

Conditions:
FAH-related disorder. Also called: FAH-related condition.
Tyrosinemia type I (TYRSN1). Also called: FAH DEFICIENCY; Deficiency of fumarylacetoacetase; HEPATORENAL TYROSINEMIA; Tyrosinemia type 1; Fumarylacetoacetase deficiency. Identifiers: Orphanet 882, MedGen C0268490, MONDO:0010161, OMIM 276700. Disease mechanism: loss of function.

Allele frequency attached by ClinVar (database versions not stated): ExAC 0.00001; gnomAD 0.00001; gnomAD exomes 0.00001 and 0.00002; TOPMed 0.00001.

Submissions (6):

Natera, Inc.
Classification: Pathogenic for Tyrosinemia type I. Last evaluated: 2025-10-16. Review status: criteria provided, single submitter. Criteria: Natera Variant Classification Schema (03/2026). Collection method: clinical testing. Allele origin: germline.
Comment: The c.548_553+20delATGACTGTGAGTGACCGCAGCGTCCA variant in FAH is a deletion affecting a canonical splice donor site and part of an exon. This variant is expected to result in nonsense mediated decay, truncation, or a dysfunctional protein product. This variant is rare in the general population with a frequency below the threshold expected for the associated phenotype(s). This variant has been observed in one or more individuals affected with the associated recessive disease, as either homozygous or compound heterozygous with a second variant (PMID: 31568711). Given the available evidence, this variant is classified as Pathogenic.

Labcorp Genetics (formerly Invitae), Labcorp
Classification: Pathogenic for Tyrosinemia type I. Last evaluated: 2025-04-28. Review status: criteria provided, single submitter. Criteria: Invitae Variant Classification Sherloc (09022015). Collection method: clinical testing. Allele origin: germline.
Comment: This variant results in the deletion of part of exon 6 (c.548_553+20del) of the FAH gene. It is expected to disrupt RNA splicing. Variants that disrupt the donor or acceptor splice site typically lead to a loss of protein function (PMID: 16199547), and loss-of-function variants in FAH are known to be pathogenic (PMID: 9101289, 9633815). This variant is present in population databases (rs768180953, gnomAD 0.01%). This variant has been observed in individual(s) with tyrosinemia type I (PMID: 12203990, 31568711). In at least one individual the data is consistent with being in trans (on the opposite chromosome) from a pathogenic variant. This variant is also known as E6/I6del26. ClinVar contains an entry for this variant (Variation ID: 646736). For these reasons, this variant has been classified as Pathogenic.

PreventionGenetics, part of Exact Sciences
Classification: Pathogenic for FAH-related condition. Last evaluated: 2024-11-25. Review status: criteria provided, single submitter. Criteria: ACMG Guidelines, 2015. Collection method: clinical testing. Allele origin: germline.
Comment: The FAH c.548_553+20del26 variant is predicted to result in a deletion affecting a canonical splice site. This variant is predicted to disrupt the GT donor site and interfere with normal splicing. This variant has been reported in individuals with tyrosinemia type I (Arranz et al. 2002. PubMed ID: 12203990; Ibarra-González et al. 2019. PubMed ID: 31568711). This variant is reported in 0.014% of alleles in individuals of Latino descent in gnomAD. Variants that disrupt the consensus splice donor site in FAH are expected to be pathogenic. This variant is interpreted as pathogenic.

Women's Health and Genetics/Laboratory Corporation of America, LabCorp
Classification: Likely pathogenic for Tyrosinemia type I. Last evaluated: 2024-10-17. Review status: criteria provided, single submitter. Criteria: LabCorp Variant Classification Summary - May 2015. Collection method: clinical testing. Allele origin: germline.
Comment: Variant summary: FAH c.548_553+20del26, also reported as E6/I6del26, involves a partial deletion of exon 6. This deletion spans a canonical splice-site and therefore is predicted to affect mRNA splicing resulting in a significantly altered protein due to either exon skipping, shortening, or inclusion of intronic material. Variants that disrupt the consensus splice site are a relatively common cause of aberrant splicing and loss of FAH function. Several computational tools predict a significant impact on normal splicing: Four predict the variant abolishes a 5' splicing donor site. However, these predictions have yet to be confirmed by functional studies. The variant allele was found at a frequency of 2e-05 in 251430 control chromosomes. c.548_553+20del26 has been reported in the presumed or confirmed compound heterozygous state in the literature in at least 2 individuals affected with Tyrosinemia Type 1 (example, Arranz_2002, Ibarra-Gonzlez_2019), including 1 individual carrying a pathogenic variant in trans. These data indicate that the variant may be associated with disease. At least one publication reports experimental evidence evaluating an impact on protein function. The most pronounced variant effect results in 10%-<30% of normal activity in vitro (example, Arranz_2002). The following publications have been ascertained in the context of this evaluation (PMID: 12203990, 31568711). ClinVar contains an entry for this variant (Variation ID: 646736). Based on the evidence outlined above, the variant was classified as likely pathogenic.

Fulgent Genetics
Classification: Pathogenic for Tyrosinemia type I. Last evaluated: 2024-05-23. Review status: criteria provided, single submitter. Criteria: ACMG Guidelines, 2015. Collection method: clinical testing. Allele origin: germline.

GeneDx
Classification: Pathogenic. Last evaluated: 2023-10-23. Review status: criteria provided, single submitter. Criteria: GeneDx Variant Classification Process June 2021. Collection method: clinical testing. Allele origin: germline. Affected: yes.
Comment: Canonical splice site variant predicted to result in a null allele in a gene for which loss of function is a known mechanism of disease; Not observed at significant frequency in large population cohorts (gnomAD); Also known as E6/I6del26; This variant is associated with the following publications: (PMID: 28755182, 25681080, 31568711, 12203990)

Literature cited by the submitters: PubMed 31568711 (cited by 3 submitters); PubMed 16199547 (cited by Labcorp Genetics (formerly Invitae), Labcorp); PubMed 9101289 (cited by Labcorp Genetics (formerly Invitae), Labcorp); PubMed 9633815 (cited by Labcorp Genetics (formerly Invitae), Labcorp); PubMed 12203990 (cited by Labcorp Genetics (formerly Invitae), Labcorp and Women's Health and Genetics/Laboratory Corporation of America, LabCorp).